The following is an entry in ClinVar:

NM_003070.5(SMARCA2):c.3118A>G (p.Ile1040Val)

Gene: SMARCA2 (SWI/SNF related BAF chromatin remodeling complex subunit ATPase 2; plus strand). Cytogenetic location: 9p24.3.
Variant type: single nucleotide variant.
Coding change: c.3118A>G on transcript NM_003070.5 (MANE Select); coding-DNA position 3118, A replaced by G.
Protein change: p.Ile1040Val; replaces isoleucine 1040 with valine.
Molecular consequence: missense variant.
Genome position (GRCh38, 1-based): chr9:2,101,609, A>G. VCF-style: chr9-2101609-A-G. GRCh37 (hg19) VCF-style: chr9-2101609-A-G.
Other names: c.3118A>G, p.Ile1040Val (NM_001289396.2, NM_139045.4); c.2944A>G, p.Ile982Val (NM_001289397.2); short protein forms I1040V, I982V.
Identifiers: ClinVar variation 3611097 (VCV003611097.2).

ClinVar aggregate classification (germline): Uncertain significance (1 of 4 stars; one submission).

gnomAD v4.1: 4 of 1,542,536 alleles (0.00026%); highest among the groups gnomAD compares: African/African-American, 0.0027%; no homozygotes.

Submission:

Labcorp Genetics (formerly Invitae), Labcorp
Classification: Uncertain significance. Last evaluated: 2024-10-31. Review status: criteria provided, single submitter. Criteria: Invitae Variant Classification Sherloc (09022015). Collection method: clinical testing. Allele origin: germline.
Comment: This sequence change replaces isoleucine, which is neutral and non-polar, with valine, which is neutral and non-polar, at codon 1040 of the SMARCA2 protein (p.Ile1040Val). This variant is not present in population databases (gnomAD no frequency). This variant has not been reported in the literature in individuals affected with SMARCA2-related conditions. Invitae Evidence Modeling of protein sequence and biophysical properties (such as structural, functional, and spatial information, amino acid conservation, physicochemical variation, residue mobility, and thermodynamic stability) indicates that this missense variant is not expected to disrupt SMARCA2 protein function with a negative predictive value of 80%. In summary, the available evidence is currently insufficient to determine the role of this variant in disease. Therefore, it has been classified as a Variant of Uncertain Significance.